The following is an entry in ClinVar:

ClinVar aggregate classification (germline): Uncertain significance. Review status: criteria provided, multiple submitters, no conflicts (2 of 4 stars). 2 submissions from 2 submitters: Uncertain significance (2). Last evaluated 2025-08-21.

Conditions:
Hereditary cancer-predisposing syndrome. Also called: Neoplastic Syndromes, Hereditary; Tumor predisposition; Hereditary Cancer Syndrome; Hereditary neoplastic syndrome. Identifiers: Orphanet 140162, MedGen C0027672, MeSH D009386, MONDO:0015356.
Familial adenomatous polyposis 2. Also called: COLORECTAL ADENOMATOUS POLYPOSIS, AUTOSOMAL RECESSIVE; ADENOMAS, MULTIPLE COLORECTAL, AUTOSOMAL RECESSIVE; MYH-associated polyposis; Adenomas, multiple colorectal; FAP type 2; MUTYH-associated polyposis. Identifiers: Orphanet 220460, Orphanet 247798, MedGen C3272841, MONDO:0012041, OMIM 608456.

Submissions (2):

Ambry Genetics
Classification: Uncertain significance for Hereditary cancer-predisposing syndrome. Last evaluated: 2025-08-21. Review status: criteria provided, single submitter. Criteria: Ambry Variant Classification Scheme 2023. Collection method: clinical testing. Allele origin: germline.
Comment: The p.S80C variant (also known as c.239C>G), located in coding exon 3 of the MUTYH gene, results from a C to G substitution at nucleotide position 239. The serine at codon 80 is replaced by cysteine, an amino acid with dissimilar properties. This amino acid position is conserved. In addition, this alteration is predicted to be tolerated by in silico analysis. Based on the available evidence, the clinical significance of this variant remains unclear.

Labcorp Genetics (formerly Invitae), Labcorp
Classification: Uncertain significance for Familial adenomatous polyposis 2. Last evaluated: 2024-01-30. Review status: criteria provided, single submitter. Criteria: Invitae Variant Classification Sherloc (09022015). Collection method: clinical testing. Allele origin: germline.
Comment: This sequence change replaces serine, which is neutral and polar, with cysteine, which is neutral and slightly polar, at codon 80 of the MUTYH protein (p.Ser80Cys). This variant is present in population databases (rs762806212, gnomAD 0.003%). This variant has not been reported in the literature in individuals affected with MUTYH-related conditions. An algorithm developed to predict the effect of missense changes on protein structure and function (PolyPhen-2) suggests that this variant is likely to be disruptive. In summary, the available evidence is currently insufficient to determine the role of this variant in disease. Therefore, it has been classified as a Variant of Uncertain Significance.

NM_001048174.2(MUTYH):c.155C>G (p.Ser52Cys)

Gene: MUTYH (mutY DNA glycosylase; minus strand). Cytogenetic location: 1p34.1.
Variant type: single nucleotide variant.
Coding change: c.155C>G on transcript NM_001048174.2 (MANE Select); coding-DNA position 155, C replaced by G.
Protein change: p.Ser52Cys; replaces serine 52 with cysteine.
Molecular consequence: missense variant. On other transcripts: 5 prime UTR variant (1), non-coding transcript variant (5), intron variant (5).
Genome position (GRCh38, 1-based): chr1:45,333,522, G>C on the plus strand (C>G on the coding strand, the complement: MUTYH is on the minus strand). VCF-style: chr1-45333522-G-C. GRCh37 (hg19) VCF-style: chr1-45799194-G-C.
Other names: c.155C>G, p.Ser52Cys (NM_001048171.2, NM_001048173.2, NM_001293195.2 and 6 more transcripts); c.158C>G, p.Ser53Cys (NM_001048172.2, NM_001407071.1, NM_001407078.1 and 2 more transcripts); c.239C>G, p.Ser80Cys (NM_001128425.2); c.200C>G, p.Ser67Cys (NM_001293190.2); c.188C>G, p.Ser63Cys (NM_001293191.2, NM_001407077.1); c.-117C>G (NM_001350650.2); c.230C>G, p.Ser77Cys (NM_001407069.1, NM_012222.3); c.197C>G, p.Ser66Cys (NM_001407073.1, NM_001407083.1, NM_001407085.1); and 4 more; short protein forms S66C, S67C, S24C, S52C, S53C, S59C, S63C, S77C.
Identifiers: ClinVar variation 3711545 (VCV003711545.3).